The following is an entry in ClinVar:

NM_020975.6(RET):c.428C>T (p.Ala143Val)

Gene: RET (ret proto-oncogene; plus strand). Cytogenetic location: 10q11.21.
Variant type: single nucleotide variant.
Coding change: c.428C>T on transcript NM_020975.6 (MANE Select); coding-DNA position 428, C replaced by T.
Protein change: p.Ala143Val; replaces alanine 143 with valine.
Molecular consequence: missense variant.
Genome position (GRCh38, 1-based): chr10:43,102,432, C>T. VCF-style: chr10-43102432-C-T. GRCh37 (hg19) VCF-style: chr10-43597880-C-T.
Other names: c.428C>T, p.Ala143Val (NM_000323.2, NM_001406743.1, NM_001406744.1 and 16 more transcripts); short protein forms A143V.
Identifiers: ClinVar variation 584744 (VCV000584744.10), dbSNP rs1564490082, ClinGen allele CA376770807.

ClinVar aggregate classification (germline): Uncertain significance. Review status: criteria provided, multiple submitters, no conflicts (2 of 4 stars). 4 submissions from 4 submitters: Uncertain significance (4). Last evaluated 2025-07-09.

Conditions:
Multiple endocrine neoplasia type 2A. Also called: MULTIPLE ENDOCRINE NEOPLASIA, TYPE IIA; PTC SYNDROME; SIPPLE SYNDROME; MEN 2A; MEN-2A syndrome; Pheochromocytoma and amyloid producing medullary thyroid carcinoma. Identifiers: Orphanet 247698, Orphanet 653, MedGen C0025268, MeSH D018813, MONDO:0008234, OMIM 171400.
Multiple endocrine neoplasia, type 2 (MEN2). Identifiers: Orphanet 653, MedGen C4048306, MONDO:0019003. Disease mechanism: gain of function.
Hereditary cancer-predisposing syndrome. Also called: Neoplastic Syndromes, Hereditary; Hereditary Cancer Syndrome; Tumor predisposition; Hereditary neoplastic syndrome. Identifiers: Orphanet 140162, MedGen C0027672, MeSH D009386, MONDO:0015356.

Allele frequency attached by ClinVar (database versions not stated): gnomAD exomes below 0.00001.
gnomAD v4.1: 1 of 1,614,218 alleles (0.000062%); highest among the groups gnomAD compares: Non-Finnish European, 0.000085%; no homozygotes.

Submissions (4):

Labcorp Genetics (formerly Invitae), Labcorp
Classification: Uncertain significance for Multiple endocrine neoplasia, type 2. Last evaluated: 2025-07-09. Review status: criteria provided, single submitter. Criteria: Invitae Variant Classification Sherloc (09022015). Collection method: clinical testing. Allele origin: germline.
Comment: This sequence change replaces alanine, which is neutral and non-polar, with valine, which is neutral and non-polar, at codon 143 of the RET protein (p.Ala143Val). This variant is not present in population databases (gnomAD no frequency). This variant has not been reported in the literature in individuals affected with RET-related conditions. ClinVar contains an entry for this variant (Variation ID: 584744). An algorithm developed to predict the effect of missense changes on protein structure and function (PolyPhen-2) suggests that this variant is likely to be tolerated. In summary, the available evidence is currently insufficient to determine the role of this variant in disease. Therefore, it has been classified as a Variant of Uncertain Significance.

Color Diagnostics, LLC DBA Color Health
Classification: Uncertain significance for Multiple endocrine neoplasia, type 2. Last evaluated: 2025-06-13. Review status: criteria provided, single submitter. Criteria: ACMG Guidelines, 2015. Collection method: clinical testing. Allele origin: germline.
Comment: This missense variant replaces alanine with valine at codon 143 of the RET protein. Computational prediction suggests that this variant may not impact protein structure and function. To our knowledge, functional studies have not been reported for this variant. This variant has not been reported in individuals affected with RET-related disorders in the literature. This variant has not been identified in the general population by the Genome Aggregation Database (gnomAD). The available evidence is insufficient to determine the role of this variant in disease conclusively. Therefore, this variant is classified as a Variant of Uncertain Significance.

Ambry Genetics
Classification: Uncertain significance for Hereditary cancer-predisposing syndrome. Last evaluated: 2021-06-03. Review status: criteria provided, single submitter. Criteria: Ambry Variant Classification Scheme 2023. Collection method: clinical testing. Allele origin: germline.
Comment: The p.A143V variant (also known as c.428C>T), located in coding exon 3 of the RET gene, results from a C to T substitution at nucleotide position 428. The alanine at codon 143 is replaced by valine, an amino acid with similar properties. This amino acid position is well conserved in available vertebrate species. In addition, this alteration is predicted to be tolerated by in silico analysis. Since supporting evidence is limited at this time, the clinical significance of this alteration remains unclear.

Mendelics
Classification: Uncertain significance for Multiple endocrine neoplasia, type 2a. Last evaluated: 2018-07-02. Review status: criteria provided, single submitter. Criteria: Mendelics Assertion Criteria 2017. Collection method: clinical testing. Allele origin: unknown.